The following is an entry in ClinVar:

NM_182894.3(VSX2):c.87C>A (p.Cys29Ter)

Gene: VSX2 (visual system homeobox 2; plus strand). Cytogenetic location: 14q24.3.
Variant type: single nucleotide variant.
Coding change: c.87C>A on transcript NM_182894.3 (MANE Select); coding-DNA position 87, C replaced by A.
Protein change: p.Cys29Ter; replaces cysteine 29 with a stop codon.
Molecular consequence: nonsense.
Genome position (GRCh38, 1-based): chr14:74,239,648, C>A. VCF-style: chr14-74239648-C-A. GRCh37 (hg19) VCF-style: chr14-74706351-C-A.
Other names: short protein forms C29*.
Identifiers: ClinVar variation 1411209 (VCV001411209.7), dbSNP rs1389175061, ClinGen allele CA390359748.

ClinVar aggregate classification (germline): Pathogenic/Likely pathogenic. Review status: criteria provided, multiple submitters, no conflicts (2 of 4 stars). 2 submissions from 2 submitters: Pathogenic (1); Likely pathogenic (1). Last evaluated 2024-04-16.

Conditions:
Microphthalmia, isolated, with coloboma 3 (MCOPCB3). Also called: MICROPHTHALMIA/COLOBOMA 3; MICROPHTHALMIA, COLOBOMATOUS, 3. Identifiers: Orphanet 98938, MedGen C1864721, MONDO:0012408, OMIM 610092.
Isolated microphthalmia 2. Identifiers: Orphanet 2542, MedGen C1864720, MONDO:0012409, OMIM 610093.

Allele frequency attached by ClinVar (database versions not stated): gnomAD exomes below 0.00001 and 0.00001.
gnomAD v4.1: 3 of 1,550,752 alleles (0.00019%); highest among the groups gnomAD compares: South Asian, 0.0012%; no homozygotes.

Submissions (2):

Fulgent Genetics
Classification: Likely pathogenic for Microphthalmia, isolated, with coloboma 3; Isolated microphthalmia 2. Last evaluated: 2024-04-16. Review status: criteria provided, single submitter. Criteria: ACMG Guidelines, 2015. Collection method: clinical testing. Allele origin: germline.

Labcorp Genetics (formerly Invitae), Labcorp
Classification: Pathogenic for Isolated microphthalmia 2. Last evaluated: 2021-10-29. Review status: criteria provided, single submitter. Criteria: Invitae Variant Classification Sherloc (09022015). Collection method: clinical testing. Allele origin: germline.
Comment: This sequence change creates a premature translational stop signal (p.Cys29*) in the VSX2 gene. It is expected to result in an absent or disrupted protein product. Loss-of-function variants in VSX2 are known to be pathogenic (PMID: 20414678). For these reasons, this variant has been classified as Pathogenic. Algorithms developed to predict the effect of sequence changes on RNA splicing suggest that this variant may create or strengthen a splice site. This variant has not been reported in the literature in individuals affected with VSX2-related conditions. The frequency data for this variant in the population databases is considered unreliable, as metrics indicate poor data quality at this position in the gnomAD database.

Literature cited by the submitters: PubMed 20414678 (cited by Labcorp Genetics (formerly Invitae), Labcorp).